The following is an entry in ClinVar:

NM_001723.7(DST):c.7400G>A (p.Arg2467His)

Gene: DST (dystonin; minus strand). Cytogenetic location: 6p12.1.
Variant type: single nucleotide variant.
Coding change: c.7400G>A on transcript NM_001723.7 (MANE Plus Clinical); coding-DNA position 7400, G replaced by A.
Protein change: p.Arg2467His; replaces arginine 2467 with histidine.
Molecular consequence: missense variant. On other transcripts: intron variant (10).
Genome position (GRCh38, 1-based): chr6:56,616,067, C>T on the plus strand (G>A on the coding strand, the complement: DST is on the minus strand). VCF-style: chr6-56616067-C-T. GRCh37 (hg19) VCF-style: chr6-56480865-C-T.
Other names: c.4831-1583G>A (NM_001144769.5); c.4930-1583G>A (NM_001374722.1, NM_001374736.1); c.4957-1583G>A (NM_001374734.1); c.4417-1583G>A (NM_001144770.2); c.4297-1583G>A (NM_001374730.1, NM_001386100.1, NM_183380.4 and 1 more transcripts); c.3319-1583G>A (NM_015548.5); short protein forms R2467H.
Identifiers: ClinVar variation 664254 (VCV000664254.13), dbSNP rs200851382, ClinGen allele CA3869972.
Genomic context (GRCh38, chr6:56,616,067, plus strand): 5'-CCTGTACTGACTTGGGCTTCAAGGCATCGGAGGGCAGTAATCCGATCAACCAAATTTCTA[C>T]GGGAGGCTTTTAGTACAGAGATCCTTTCCCCACTAGCAGTCAGCCAATACCCTGCAACAG-3'
Protein context (NP_001714.1, residues 2457-2477): GERISVLKAS[Arg2467His]RNLVDRITAL

ClinVar aggregate classification (germline): Conflicting classifications of pathogenicity. Review status: criteria provided, conflicting classifications (1 of 4 stars). 3 submissions from 3 submitters: Uncertain significance (2); Likely benign (1). Last evaluated 2026-02-25.

Conditions:
Epidermolysis bullosa simplex 3, localized or generalized intermediate, with BP230 deficiency (EBS3). Also called: Epidermolysis bullosa simplex, autosomal recessive 2; Epidermolysis bullosa simplex due to BP230 deficiency. Identifiers: Orphanet 412181, MedGen C3809470, MONDO:0014180, OMIM 615425.
Hereditary sensory and autonomic neuropathy type 6. Also called: HSAN VI; Neuropathy, hereditary sensory and autonomic, type VI. Identifiers: Orphanet 314381, MedGen C3539003, MONDO:0013839, OMIM 614653.
DST-related disorder. Also called: DST-related condition; DST-related disorders.

Allele frequency attached by ClinVar (database versions not stated): ExAC 0.00004; gnomAD exomes 0.00008 and 0.00025; gnomAD 0.00011 and 0.00012; TOPMed 0.00012.
gnomAD v4.1: 373 of 1,614,048 alleles (0.023%); highest among the groups gnomAD compares: Non-Finnish European, 0.028%; 1 homozygote.

Submissions (3):

PreventionGenetics, part of Exact Sciences
Classification: Uncertain significance for DST-related condition. Last evaluated: 2026-02-25. Review status: criteria provided, single submitter. Criteria: ACMG Guidelines, 2015. Collection method: clinical testing. Allele origin: germline.
Comment: The DST c.7400G>A variant is predicted to result in the amino acid substitution p.Arg2467His. This variant is referred to as c.7400G>A (p.Arg2467His) in the alternate transcript NM_001723. To our knowledge, this variant has not been reported in the literature. This variant is reported in 0.016% of alleles in individuals of African descent in gnomAD. At this time, the clinical significance of this variant is uncertain due to the absence of conclusive functional and genetic evidence.

CeGaT Center for Human Genetics Tuebingen
Classification: Likely benign. Last evaluated: 2025-11-01. Review status: criteria provided, single submitter. Criteria: CeGaT Center For Human Genetics Tuebingen Variant Classification Criteria Version 2. Collection method: clinical testing. Allele origin: germline. Affected: yes. Observed: 1 variant allele.
Comment: DST: BP4

Labcorp Genetics (formerly Invitae), Labcorp
Classification: Uncertain significance for Epidermolysis bullosa simplex 3, localized or generalized intermediate, with BP230 deficiency; Hereditary sensory and autonomic neuropathy type 6. Last evaluated: 2022-10-05. Review status: criteria provided, single submitter. Criteria: Invitae Variant Classification Sherloc (09022015). Collection method: clinical testing. Allele origin: germline.
Comment: This sequence change replaces arginine, which is basic and polar, with histidine, which is basic and polar, at codon 2467 of the DST protein (p.Arg2467His). This variant is present in population databases (rs200851382, gnomAD 0.03%). This variant has not been reported in the literature in individuals affected with DST-related conditions. ClinVar contains an entry for this variant (Variation ID: 664254). Algorithms developed to predict the effect of missense changes on protein structure and function are either unavailable or do not agree on the potential impact of this missense change (SIFT: "Deleterious"; PolyPhen-2: "Benign"; Align-GVGD: "Class C0"). In summary, the available evidence is currently insufficient to determine the role of this variant in disease. Therefore, it has been classified as a Variant of Uncertain Significance.